The following is an entry in ClinVar:

ClinVar aggregate classification (germline): Uncertain significance. Review status: criteria provided, multiple submitters, no conflicts (2 of 4 stars). 2 submissions from 2 submitters: Uncertain significance (2). Last evaluated 2024-01-16.

Allele frequency attached by ClinVar (database versions not stated): gnomAD exomes below 0.00001; gnomAD 0.00002; TOPMed 0.00002.
gnomAD v4.1: 7 of 1,613,978 alleles (0.00043%); highest among the groups gnomAD compares: African/African-American, 0.004%; no homozygotes.

Submissions (2):

Ambry Genetics
Classification: Uncertain significance. Last evaluated: 2024-01-16. Review status: criteria provided, single submitter. Criteria: Ambry Variant Classification Scheme 2023. Collection method: clinical testing. Allele origin: germline.

Labcorp Genetics (formerly Invitae), Labcorp
Classification: Uncertain significance. Last evaluated: 2022-01-26. Review status: criteria provided, single submitter. Criteria: Invitae Variant Classification Sherloc (09022015). Collection method: clinical testing. Allele origin: germline.
Comment: In summary, the available evidence is currently insufficient to determine the role of this variant in disease. Therefore, it has been classified as a Variant of Uncertain Significance. Algorithms developed to predict the effect of missense changes on protein structure and function are either unavailable or do not agree on the potential impact of this missense change (SIFT: "Deleterious"; PolyPhen-2: "Probably Damaging"; Align-GVGD: "Class C0"). This variant has not been reported in the literature in individuals affected with SBF1-related conditions. This variant is present in population databases (no rsID available, gnomAD 0.01%). This sequence change replaces arginine, which is basic and polar, with tryptophan, which is neutral and slightly polar, at codon 1144 of the SBF1 protein (p.Arg1144Trp).

NM_002972.4(SBF1):c.3430C>T (p.Arg1144Trp)

Gene: SBF1 (SET binding factor 1; minus strand). Cytogenetic location: 22q13.33.
Variant type: single nucleotide variant.
Coding change: c.3430C>T on transcript NM_002972.4 (MANE Select); coding-DNA position 3430, C replaced by T.
Protein change: p.Arg1144Trp; replaces arginine 1144 with tryptophan.
Molecular consequence: missense variant.
Genome position (GRCh38, 1-based): chr22:50,460,013, G>A on the plus strand (C>T on the coding strand, the complement: SBF1 is on the minus strand). VCF-style: chr22-50460013-G-A. GRCh37 (hg19) VCF-style: chr22-50898442-G-A.
Other names: c.3433C>T, p.Arg1145Trp (NM_001365819.1, NM_001410794.1); c.3430C>T, p.Arg1144Trp (NM_001410795.1, NM_197971.1); c.3430C>T (NM_002972.2); short protein forms R1145W, R1144W.
Identifiers: ClinVar variation 1939921 (VCV001939921.6), dbSNP rs1322290900, ClinGen allele CA412204958.